The following is an entry in ClinVar:

ClinVar aggregate classification (germline): Uncertain significance (1 of 4 stars; one submission).

Conditions:
Hypoplastic left heart syndrome. Also called: Hypoplastic left heart; Hypoplastic left ventricle. Identifiers: Orphanet 2248, MedGen C0152101, MONDO:0004933, HP:0004383.

gnomAD v4.1: 10 of 1,598,250 alleles (0.00063%); highest among the groups gnomAD compares: Admixed American, 0.017%; no homozygotes.

Submission:

Labcorp Genetics (formerly Invitae), Labcorp
Classification: Uncertain significance for Hypoplastic left heart syndrome. Last evaluated: 2024-04-12. Review status: criteria provided, single submitter. Criteria: Invitae Variant Classification Sherloc (09022015). Collection method: clinical testing. Allele origin: germline.
Comment: This sequence change replaces glycine, which is neutral and non-polar, with arginine, which is basic and polar, at codon 60 of the HAND1 protein (p.Gly60Arg). This variant is present in population databases (rs202045612, gnomAD 0.03%). This variant has not been reported in the literature in individuals affected with HAND1-related conditions. Algorithms developed to predict the effect of missense changes on protein structure and function output the following: SIFT: "Not Available"; PolyPhen-2: "Benign"; Align-GVGD: "Not Available". The arginine amino acid residue is found in multiple mammalian species, which suggests that this missense change does not adversely affect protein function. In summary, the available evidence is currently insufficient to determine the role of this variant in disease. Therefore, it has been classified as a Variant of Uncertain Significance.

NM_004821.3(HAND1):c.178G>C (p.Gly60Arg)

Gene: HAND1 (heart and neural crest derivatives expressed 1; minus strand). Cytogenetic location: 5q33.2.
Variant type: single nucleotide variant.
Coding change: c.178G>C on transcript NM_004821.3 (MANE Select); coding-DNA position 178, G replaced by C.
Protein change: p.Gly60Arg; replaces glycine 60 with arginine.
Molecular consequence: missense variant.
Genome position (GRCh38, 1-based): chr5:154,477,831, C>G on the plus strand (G>C on the coding strand, the complement: HAND1 is on the minus strand). VCF-style: chr5-154477831-C-G. GRCh37 (hg19) VCF-style: chr5-153857391-C-G.
Other names: short protein forms G60R.
Identifiers: ClinVar variation 3704279 (VCV003704279.2).